The following is an entry in ClinVar:

NM_000558.5(HBA1):c.75T>G (p.Tyr25Ter)

Genes: HBA1 (hemoglobin subunit alpha 1; plus strand), LOC106804613 (hemoglobin subunit alpha 1 recombination region; plus strand). Cytogenetic location: 16p13.3.
Variant type: single nucleotide variant.
Coding change: c.75T>G on transcript NM_000558.5 (MANE Select); coding-DNA position 75, T replaced by G.
Protein change: p.Tyr25Ter; replaces tyrosine 25 with a stop codon.
Molecular consequence: nonsense.
Genome position (GRCh38, 1-based): chr16:176,791, T>G. VCF-style: chr16-176791-T-G. GRCh37 (hg19) VCF-style: chr16-226790-T-G.
Other names: short protein forms Y25*.
Identifiers: ClinVar variation 4814418 (VCV004814418.1).
Genomic context (GRCh38, chr16:176,791, plus strand): 5'-TGCCGACAAGACCAACGTCAAGGCCGCCTGGGGTAAGGTCGGCGCGCACGCTGGCGAGTA[T>G]GGTGCGGAGGCCCTGGAGAGGTGAGGCTCCCTCCCCTGCTCCGACCCGGGCTCCTCGCCC-3'

ClinVar aggregate classification (germline): Likely pathogenic (1 of 4 stars; one submission).

Conditions:
alpha Thalassemia. Also called: Alpha thalassemia spectrum. Identifiers: Orphanet 846, MedGen C0002312, MONDO:0011399, OMIM 604131.

Submission:

Natera, Inc.
Classification: Likely pathogenic for Alpha thalassemia. Last evaluated: 2025-10-21. Review status: criteria provided, single submitter. Criteria: Natera Variant Classification Schema (03/2026). Collection method: clinical testing. Allele origin: germline.
Comment: The c.75T>G variant in HBA1 is a nonsense variant predicted to introduce a stop codon at amino acid 25. This variant is expected to result in nonsense mediated decay, truncation, or a dysfunctional protein product. This variant is rare in the general population with a frequency below the threshold expected for the associated phenotype(s). Given the available evidence, this variant is classified as Likely Pathogenic.